The following is an entry in ClinVar:

ClinVar aggregate classification (germline): Uncertain significance. Review status: criteria provided, multiple submitters, no conflicts (2 of 4 stars). 2 submissions from 2 submitters: Uncertain significance (2). Last evaluated 2024-01-16.

Conditions:
Glucocorticoid-remediable aldosteronism. Also called: ACTH-DEPENDENT HYPERALDOSTERONISM SYNDROME; ALDOSTERONISM, SENSITIVE TO DEXAMETHASONE; FH I; GLUCOCORTICOID-SUPPRESSIBLE HYPERALDOSTERONISM; Hyperaldosteronism, familial, type I. Identifiers: Orphanet 403, MedGen C3838731, MONDO:0007080, OMIM 103900.

Submissions (2):

Labcorp Genetics (formerly Invitae), Labcorp
Classification: Uncertain significance. Last evaluated: 2024-01-16. Review status: criteria provided, single submitter. Criteria: Invitae Variant Classification Sherloc (09022015). Collection method: clinical testing. Allele origin: germline.
Comment: This sequence change replaces histidine, which is basic and polar, with tyrosine, which is neutral and polar, at codon 256 of the CYP11B1 protein (p.His256Tyr). This variant is not present in population databases (gnomAD no frequency). This variant has not been reported in the literature in individuals affected with CYP11B1-related conditions. ClinVar contains an entry for this variant (Variation ID: 932068). Advanced modeling of protein sequence and biophysical properties (such as structural, functional, and spatial information, amino acid conservation, physicochemical variation, residue mobility, and thermodynamic stability) has been performed at Invitae for this missense variant, however the output from this modeling did not meet the statistical confidence thresholds required to predict the impact of this variant on CYP11B1 protein function. In summary, the available evidence is currently insufficient to determine the role of this variant in disease. Therefore, it has been classified as a Variant of Uncertain Significance.

Centre for Mendelian Genomics, University Medical Centre Ljubljana
Classification: Uncertain significance for Glucocorticoid-remediable aldosteronism. Last evaluated: 2019-04-04. Review status: criteria provided, single submitter. Criteria: ACMG Guidelines, 2015. Collection method: clinical testing. Allele origin: unknown. Affected: yes.
Comment: This variant was classified as: Uncertain significance. The available evidence favors the pathogenic nature of this variant, however the currently available data is insufficient to conclusively support its pathogenic nature. Thus this variant is classified as Uncertain significance - favor pathogenic. The following ACMG criteria were applied in classifying this variant: PM2,PP3.

NM_000497.4(CYP11B1):c.766C>T (p.His256Tyr)

Genes: CYP11B1 (cytochrome P450 family 11 subfamily B member 1; minus strand), LOC106799833 (CYP11B1 recombination region; plus strand). Cytogenetic location: 8q24.3.
Variant type: single nucleotide variant.
Coding change: c.766C>T on transcript NM_000497.4 (MANE Select); coding-DNA position 766, C replaced by T.
Protein change: p.His256Tyr; replaces histidine 256 with tyrosine.
Molecular consequence: missense variant.
Genome position (GRCh38, 1-based): chr8:142,876,715, G>A on the plus strand (C>T on the coding strand, the complement: CYP11B1 is on the minus strand). VCF-style: chr8-142876715-G-A. GRCh37 (hg19) VCF-style: chr8-143958131-G-A.
Other names: c.766C>T, p.His256Tyr (NM_001026213.1); short protein forms H256Y.
Identifiers: ClinVar variation 932068 (VCV000932068.6), dbSNP rs1816963218, ClinGen allele CA372395451.